The following is an entry in ClinVar:

ClinVar aggregate classification (germline): Conflicting classifications of pathogenicity. Review status: criteria provided, conflicting classifications (1 of 4 stars). 3 submissions from 3 submitters: Likely pathogenic (2); Uncertain significance (1). Last evaluated 2026-01-01.

Conditions:
ABCC6-related disorder. Also called: ABCC6-related condition.

Allele frequency attached by ClinVar (database versions not stated): TOPMed below 0.00001.
gnomAD v4.1: 1 of 1,613,534 alleles (0.000062%); highest among the groups gnomAD compares: Non-Finnish European, 0.000085%; no homozygotes.

Submissions (3):

CeGaT Center for Human Genetics Tuebingen
Classification: Uncertain significance. Last evaluated: 2026-01-01. Review status: criteria provided, single submitter. Criteria: CeGaT Center For Human Genetics Tuebingen Variant Classification Criteria Version 2. Collection method: clinical testing. Allele origin: germline. Affected: yes. Observed: 1 variant allele.
Comment: ABCC6: PM2, PM5

Labcorp Genetics (formerly Invitae), Labcorp
Classification: Likely pathogenic. Last evaluated: 2025-01-19. Review status: criteria provided, single submitter. Criteria: Invitae Variant Classification Sherloc (09022015). Collection method: clinical testing. Allele origin: germline.
Comment: This sequence change replaces arginine, which is basic and polar, with glycine, which is neutral and non-polar, at codon 765 of the ABCC6 protein (p.Arg765Gly). This variant is present in population databases (no rsID available, gnomAD 0.0009%). This variant has not been reported in the literature in individuals affected with ABCC6-related conditions. ClinVar contains an entry for this variant (Variation ID: 425099). Invitae Evidence Modeling of protein sequence and biophysical properties (such as structural, functional, and spatial information, amino acid conservation, physicochemical variation, residue mobility, and thermodynamic stability) indicates that this missense variant is expected to disrupt ABCC6 protein function with a positive predictive value of 95%. This variant disrupts the p.Arg765 amino acid residue in ABCC6. Other variant(s) that disrupt this residue have been determined to be pathogenic (PMID: 12673275, 18157818, 30154241, 30805891; internal data). This suggests that this residue is clinically significant, and that variants that disrupt this residue are likely to be disease-causing. In summary, the currently available evidence indicates that the variant is pathogenic, but additional data are needed to prove that conclusively. Therefore, this variant has been classified as Likely Pathogenic.

Blueprint Genetics
Classification: Likely pathogenic for ABCC6-related disorders. Last evaluated: 2023-07-19. Review status: criteria provided, single submitter. Criteria: ACMG Guidelines, 2015. Collection method: clinical testing. Allele origin: germline. Affected: yes. Observed: 2 variant alleles.

Literature cited by the submitters: PubMed 12673275 (cited by Labcorp Genetics (formerly Invitae), Labcorp); PubMed 18157818 (cited by Labcorp Genetics (formerly Invitae), Labcorp); PubMed 30154241 (cited by Labcorp Genetics (formerly Invitae), Labcorp); PubMed 30805891 (cited by Labcorp Genetics (formerly Invitae), Labcorp).

NM_001171.6(ABCC6):c.2293C>G (p.Arg765Gly)

Gene: ABCC6 (ATP binding cassette subfamily C member 6; minus strand). Cytogenetic location: 16p13.11.
Variant type: single nucleotide variant.
Coding change: c.2293C>G on transcript NM_001171.6 (MANE Select); coding-DNA position 2293, C replaced by G.
Protein change: p.Arg765Gly; replaces arginine 765 with glycine.
Molecular consequence: missense variant. On other transcripts: non-coding transcript variant (1).
Genome position (GRCh38, 1-based): chr16:16,178,920, G>C on the plus strand (C>G on the coding strand, the complement: ABCC6 is on the minus strand). VCF-style: chr16-16178920-G-C. GRCh37 (hg19) VCF-style: chr16-16272777-G-C.
Other names: c.1951C>G, p.Arg651Gly (NM_001351800.1); short protein forms R765G, R651G.
Identifiers: ClinVar variation 425099 (VCV000425099.47), dbSNP rs776513864, ClinGen allele CA16621688.